The following is an entry in ClinVar:

NM_001365999.1(SZT2):c.7698del (p.Ser2567fs)

Gene: SZT2 (SZT2 subunit of KICSTOR complex; plus strand). Cytogenetic location: 1p34.2.
Variant type: Deletion.
Coding change: c.7698del on transcript NM_001365999.1 (MANE Select); coding-DNA position 7698, one base deleted (C; older notation c.7698delC).
Protein change: p.Ser2567fs; shifts the reading frame from serine 2567.
Molecular consequence: frameshift variant.
Genome position (GRCh38, 1-based): chr1:43,441,774, C deleted; the last of 2 consecutive C bases (chr1:43,441,773-43,441,774); deleting either gives the same sequence. VCF-style (leftmost placement, unchanged base first): chr1-43441772-AC-A. GRCh37 (hg19) VCF-style: chr1-43907443-AC-A.
Other names: c.7527del, p.Ser2510fs (NM_015284.4); short protein forms S2510fs, S2567fs.
Identifiers: ClinVar variation 2733884 (VCV002733884.3), dbSNP rs2545851200, ClinGen allele CA2586966494.
Genomic context (GRCh38, chr1:43,441,772, plus strand): 5'-GCCCACATGGTGTCCCGGTTCCTCCTTCCATCCATCCTGTCTGAGTTCACCGCACTGGTC[AC>A]CTCAATGGCTGGAGACACCAGTGTCCGCATCTTTGAGCAGCATTTGTGAGTGTAGATCCT-3'

ClinVar aggregate classification (germline): Pathogenic (1 of 4 stars; one submission).

Submission:

Labcorp Genetics (formerly Invitae), Labcorp
Classification: Pathogenic. Last evaluated: 2023-04-09. Review status: criteria provided, single submitter. Criteria: Invitae Variant Classification Sherloc (09022015). Collection method: clinical testing. Allele origin: germline.
Comment: For these reasons, this variant has been classified as Pathogenic. This premature translational stop signal has been observed in individual(s) with seizures (PMID: 26633542). This variant is not present in population databases (gnomAD no frequency). This sequence change creates a premature translational stop signal (p.Ser2510Glnfs*86) in the SZT2 gene. It is expected to result in an absent or disrupted protein product. Loss-of-function variants in SZT2 are known to be pathogenic (PMID: 23932106, 27248490, 28556953).

Literature cited by the submitters: PubMed 26633542; PubMed 23932106; PubMed 27248490; PubMed 28556953.